The following is an entry in ClinVar:

ClinVar aggregate classification (germline): Conflicting classifications of pathogenicity. Review status: criteria provided, conflicting classifications (1 of 4 stars). 6 submissions from 6 submitters: Uncertain significance (1); Benign (1); Likely benign (3). 1 of the submissions does not count toward it. Last evaluated 2026-01-28.

Conditions:
LRP2-related disorder. Also called: LRP2-related condition.
Donnai-Barrow syndrome. Also called: FACIOOCULOACOUSTICORENAL SYNDROME; DBS/FOAR SYNDROME. Identifiers: Orphanet 2143, MedGen C1857277, MONDO:0009104, OMIM 222448.

Allele frequency attached by ClinVar (database versions not stated): ESP Exome Variant Server 0.00008; ExAC 0.00013; gnomAD exomes 0.00015; 1000 Genomes Project 30x 0.00047; 1000 Genomes Project 0.00060; TOPMed 0.00061; gnomAD 0.00070.
gnomAD v4.1: 198 of 1,613,934 alleles (0.012%); highest among the groups gnomAD compares: African/African-American, 0.21%; no homozygotes.

Submissions (6):

Labcorp Genetics (formerly Invitae), Labcorp
Classification: Benign. Last evaluated: 2026-01-28. Review status: criteria provided, single submitter. Criteria: Invitae Variant Classification Sherloc (09022015). Collection method: clinical testing. Allele origin: germline.

Blueprint Genetics
Classification: Likely benign. Last evaluated: 2024-11-19. Review status: criteria provided, single submitter. Criteria: ACMG Guidelines, 2015. Collection method: clinical testing. Allele origin: germline.

Fulgent Genetics
Classification: Likely benign for Donnai-Barrow syndrome. Last evaluated: 2024-04-23. Review status: criteria provided, single submitter. Criteria: ACMG Guidelines, 2015. Collection method: clinical testing. Allele origin: germline.

Genome-Nilou Lab
Classification: Likely benign for Donnai-Barrow syndrome. Last evaluated: 2021-07-15. Review status: criteria provided, single submitter. Criteria: ACMG Guidelines, 2015. Collection method: clinical testing. Allele origin: germline. Affected: no.

GeneDx
Classification: Uncertain significance. Last evaluated: 2018-02-27. Review status: criteria provided, single submitter. Criteria: GeneDx Variant Classification (06012015). Collection method: clinical testing. Allele origin: germline. Affected: yes.
Comment: The c.1176 C>T variant in the LRP2 gene has not been reported previously as a pathogenic variant nor as a benign variant, to our knowledge. The c.1176 C>T variant is observed in 50/23996 (0.2%) alleles from individuals of African background, and no individuals were reported to be homozygous (Lek et al., 2016). The c.1176 C>T variant represents a synonymous amino acid substitution that occurs at a position that is not conserved across species. In silico splice prediction models predict that c.1176 C>T may create a new cryptic splice donor site upstream of the canonical splice donor site in intron 11. However, in the absence of RNA/functional studies, the actual effect of this sequence change in this individual is unknown. We interpret c.1176 C>T as a variant of uncertain significance.

PreventionGenetics, part of Exact Sciences
Classification: Likely benign for LRP2-related condition. Last evaluated: 2023-08-16. Review status: no assertion criteria provided. Collection method: clinical testing. Allele origin: germline. Not counted in ClinVar's aggregate classification.
Comment: This variant is classified as likely benign based on ACMG/AMP sequence variant interpretation guidelines (Richards et al. 2015 PMID: 25741868, with internal and published modifications).

NM_004525.3(LRP2):c.1176C>T (p.Gly392=)

Gene: LRP2 (LDL receptor related protein 2; minus strand). Cytogenetic location: 2q31.1.
Variant type: single nucleotide variant.
Coding change: c.1176C>T on transcript NM_004525.3 (MANE Select); coding-DNA position 1176, C replaced by T.
Protein change: p.Gly392=; no amino-acid change (glycine 392 retained).
Molecular consequence: synonymous variant.
Genome position (GRCh38, 1-based): chr2:169,280,515, G>A on the plus strand (C>T on the coding strand, the complement: LRP2 is on the minus strand). VCF-style: chr2-169280515-G-A. GRCh37 (hg19) VCF-style: chr2-170137025-G-A.
Identifiers: ClinVar variation 504341 (VCV000504341.18), dbSNP rs369145798, ClinGen allele CA1955628.